The following is an entry in ClinVar:

NM_001379291.1(BRD4):c.2461G>A (p.Gly821Ser)

Gene: BRD4 (bromodomain containing 4; minus strand). Cytogenetic location: 19p13.12.
Variant type: single nucleotide variant.
Coding change: c.2461G>A on transcript NM_001379291.1 (MANE Select); coding-DNA position 2461, G replaced by A.
Protein change: p.Gly821Ser; replaces glycine 821 with serine.
Molecular consequence: missense variant.
Genome position (GRCh38, 1-based): chr19:15,244,351, C>T on the plus strand (G>A on the coding strand, the complement: BRD4 is on the minus strand). VCF-style: chr19-15244351-C-T. GRCh37 (hg19) VCF-style: chr19-15355162-C-T.
Other names: c.2461G>A, p.Gly821Ser (NM_058243.3); short protein forms G821S.
Identifiers: ClinVar variation 2072955 (VCV002072955.4), dbSNP rs144592187, ClinGen allele CA9264943.

ClinVar aggregate classification (germline): Uncertain significance (1 of 4 stars; one submission).

Allele frequency attached by ClinVar (database versions not stated): ExAC 0.00003; gnomAD exomes 0.00003; ESP Exome Variant Server 0.00008; gnomAD 0.00016; TOPMed 0.00017.
gnomAD v4.1: 75 of 1,603,216 alleles (0.0047%); highest among the groups gnomAD compares: African/African-American, 0.052%; no homozygotes.

Submission:

Labcorp Genetics (formerly Invitae), Labcorp
Classification: Uncertain significance. Last evaluated: 2025-08-03. Review status: criteria provided, single submitter. Criteria: Invitae Variant Classification Sherloc (09022015). Collection method: clinical testing. Allele origin: germline.
Comment: This sequence change replaces glycine, which is neutral and non-polar, with serine, which is neutral and polar, at codon 821 of the BRD4 protein (p.Gly821Ser). This variant is present in population databases (rs144592187, gnomAD 0.03%). This variant has not been reported in the literature in individuals affected with BRD4-related conditions. ClinVar contains an entry for this variant (Variation ID: 2072955). Invitae Evidence Modeling of protein sequence and biophysical properties (such as structural, functional, and spatial information, amino acid conservation, physicochemical variation, residue mobility, and thermodynamic stability) indicates that this missense variant is not expected to disrupt BRD4 protein function with a negative predictive value of 80%. In summary, the available evidence is currently insufficient to determine the role of this variant in disease. Therefore, it has been classified as a Variant of Uncertain Significance.